The following is an entry in ClinVar:

ClinVar aggregate classification (germline): Likely pathogenic. Review status: reviewed by expert panel (3 of 4 stars). 14 submissions from 14 submitters: Likely pathogenic (1). 13 of the submissions do not count toward it. Last evaluated 2026-07-15.

Conditions:
BRCA2-related cancer predisposition. Identifiers: MedGen CN377758, MONDO:0700269.
Hereditary cancer-predisposing syndrome. Also called: Hereditary neoplastic syndrome; Neoplastic Syndromes, Hereditary; Hereditary Cancer Syndrome; Tumor predisposition. Identifiers: Orphanet 140162, MedGen C0027672, MeSH D009386, MONDO:0015356.
Hereditary breast ovarian cancer syndrome. Also called: Hereditary breast and ovarian cancer; Breast and ovarian cancer; Hereditary breast and ovarian cancer syndrome; BRCA1- and BRCA2-Associated Hereditary Breast and Ovarian Cancer; Hereditary breast and ovarian cancer syndrome (HBOC); Hereditary breast and/or ovarian cancer syndrome. Identifiers: Orphanet 145, MedGen C0677776, MeSH D061325, MONDO:0003582. Disease mechanism: loss of function.
Breast-ovarian cancer, familial, susceptibility to, 2 (BROVCA2). Also called: BRCA2 Hereditary Breast and Ovarian Cancer. Identifiers: Orphanet 145, MedGen C2675520, MONDO:0012933, OMIM 612555. Disease mechanism: loss of function.
Familial cancer of breast. Also called: hereditary breast carcinoma; BREAST CANCER, FAMILIAL; Hereditary breast cancer. Identifiers: Orphanet 227535, MedGen C0346153, MONDO:0016419, OMIM 114480. Disease mechanism: loss of function.

Submissions 1 to 9 of 14:

ClinGen ENIGMA BRCA1 and BRCA2 Variant Curation Expert Panel, ClinGen
Classification: Likely pathogenic for BRCA2-related cancer predisposition. Last evaluated: 2026-07-15. Review status: reviewed by expert panel. Criteria: CSpec BRCA1/2ACMG Rules Specifications V1.2. Collection method: curation. Allele origin: germline. Inheritance: Autosomal dominant inheritance.
Comment: The c.516G>A variant in BRCA2 is a synonymous variant (p.(Lys172=)). This variant is absent from gnomAD v4.1 (read depth ≥25x in >90% samples, PM2_Supporting met). This BRCA2 synonymous (silent) variant has a SpliceAI score of 0.84, predicting an impact on splicing (score threshold ≥0.2) (PP3 not applied because a PVS1 code is met). This variant is reported to result in aberrant mRNA splicing. RT-PCR with patient-derived mRNA demonstrated that the variant impacts splicing by skipping of exon 6 and skipping of exon 5 and 6 (both out of frame). Confirmation with a minigene assay showed no full-length transcript to be produced by the variant allele, using a semi-quantitative assessment with gel electrophoresis, cloning and sequence analysis (PMID: 19267246). RT-PCRSeq confirmed the aberrant transcripts and reported that no full-length transcript was produced by the variant allele (Ambry internal data). Appropriate code strength determined by comparison of results to PVS1 decision tree (PVS1 (RNA)). Multifactorial likelihood ratio analysis using clinically calibrated data produced a combined LR for this variant of 0.92 (based on Co-occurrence LR=1.05; Family History LR=0.88), which is above the ENIGMA BRCA1/2 VCEP threshold for BP5 (>0.48) and below PP4 (<2.08) (BP5 and PP4 not met; PMID: 31853058). In summary, this variant meets the criteria to be classified as a Likely pathogenic variant for BRCA2-related cancer predisposition based on the ACMG/AMP criteria applied as specified by the ENIGMA BRCA1/2 VCEP (v1.2) (PM2_Supporting, PVS1 (RNA)).

Quest Diagnostics Nichols Institute San Juan Capistrano
Classification: Uncertain significance. Last evaluated: 2025-08-04. Review status: criteria provided, single submitter. Criteria: Quest Diagnostics criteria. Collection method: clinical testing. Allele origin: unknown. Not counted in ClinVar's aggregate classification.
Comment: The BRCA2 c.516G>A (p.Lys172=) synonymous variant has been reported in the published literature in an individual with breast cancer who was bi-allelic for the variant, and a variant in the ATM gene (PMID: 38814507 (2024)). This variant has been reported to result in BRCA2 exon 5 and exons 5 and 6 skipping. However a low level of the transcript lacking exons 5 and 6 was also present in the wild-type transcript (PMID:19267246 (2009)), suggesting that this alternative transcript may be a naturally occurring isoform. Additionally, transcripts lacking exon 5 and exons 5 and 6 have been reported to be naturally occurring alternative splicing events in the BRCA2 gene (PMID: 27060066 (2016)). This variant has not been reported in large, multi-ethnic general populations (Genome Aggregation Database). Analysis of this variant using software algorithms for the prediction of the effect of nucleotide changes on BRCA2 mRNA splicing yielded inconclusive findings. Based on the available information, we are unable to determine the clinical significance of this variant.

Ambry Genetics
Classification: Likely pathogenic for Hereditary cancer-predisposing syndrome. Last evaluated: 2025-07-19. Review status: criteria provided, single submitter. Criteria: Ambry Variant Classification Scheme 2023. Collection method: clinical testing. Allele origin: germline. Not counted in ClinVar's aggregate classification.
Comment: The c.516G>A variant (also known as p.K172K), located in coding exon 5 of the BRCA2 gene, results from a G to A substitution at nucleotide position 516. This nucleotide substitution does not change the amino acid at codon 172, however this change occurs in the last base pair of coding exon 5, which makes it likely to have some effect on normal mRNA splicing. This alteration was also detected in a patient with urothelial cancer (Bertelsen B et al. NPJ Genom Med, 2019 Jun;4:13), and was identified in a large, worldwide study of BRCA1/2 mutation positive families (Rebbeck TR et al. Hum Mutat, 2018 05;39:593-620). Splicing assays have shown this variant to result in nonsense-mediated decay prone transcripts that lack coding exons 4 and 5 (Ambry internal data; Hansen TV et al. Breast Cancer Res. Treat. 2010 Feb;119:547-50). This variant is considered to be rare based on population cohorts in the Genome Aggregation Database (gnomAD). This nucleotide position is highly conserved in available vertebrate species. In silico splice site analysis predicts that this alteration will weaken the native splice donor site. Based on the majority of available evidence to date, this variant is likely to be pathogenic.

Labcorp Genetics (formerly Invitae), Labcorp
Classification: Likely pathogenic for Hereditary breast ovarian cancer syndrome. Last evaluated: 2025-03-31. Review status: criteria provided, single submitter. Criteria: Invitae Variant Classification Sherloc (09022015). Collection method: clinical testing. Allele origin: germline. Not counted in ClinVar's aggregate classification.
Comment: This sequence change affects codon 172 of the BRCA2 mRNA. It is a 'silent' change, meaning that it does not change the encoded amino acid sequence of the BRCA2 protein. RNA analysis indicates that this variant induces altered splicing and may result in an absent or altered protein product. This variant is not present in population databases (gnomAD no frequency). This variant has been observed in individual(s) with breast and ovarian cancer and/or urothelial cancer (PMID: 19267246, 31263571). ClinVar contains an entry for this variant (Variation ID: 51795). Variants that disrupt the consensus splice site are a relatively common cause of aberrant splicing (PMID: 17576681, 9536098). Studies have shown that this variant alters mRNA splicing and is expected to lead to the loss of protein expression (PMID: 19267246). In summary, the currently available evidence indicates that the variant is pathogenic, but additional data are needed to prove that conclusively. Therefore, this variant has been classified as Likely Pathogenic.

Center for Genomic Medicine, Rigshospitalet, Copenhagen University Hospital
Classification: Pathogenic. Last evaluated: 2025-03-04. Review status: criteria provided, single submitter. Criteria: ACMG Guidelines, 2015. Collection method: clinical testing. Allele origin: germline. Not counted in ClinVar's aggregate classification.

Department of Clinical Genetics, Copenhagen University Hospital, Rigshospitalet
Classification: Likely pathogenic for Breast-ovarian cancer, familial, susceptibility to, 2. Last evaluated: 2024-05-27. Review status: criteria provided, single submitter. Criteria: ACMG Guidelines, 2015. Collection method: clinical testing. Allele origin: germline. Affected: yes. Not counted in ClinVar's aggregate classification.
Comment: PP1; PVS1_Strong; PM2_Supporting

Baylor Genetics
Classification: Likely pathogenic for Familial cancer of breast. Last evaluated: 2024-03-24. Review status: criteria provided, single submitter. Criteria: ACMG Guidelines, 2015. Collection method: clinical testing. Allele origin: unknown. Not counted in ClinVar's aggregate classification.

All of Us Research Program, National Institutes of Health
Classification: Likely pathogenic for Breast-ovarian cancer, familial, susceptibility to, 2. Last evaluated: 2023-12-14. Review status: criteria provided, single submitter. Criteria: ACMG Guidelines, 2015. Collection method: clinical testing. Allele origin: germline. Inheritance: Autosomal dominant inheritance. Observed: 2 variant alleles, 2 heterozygotes. Not counted in ClinVar's aggregate classification.
Comment: The c.516G>A (p.Lys172=) synonymous variant in the BRCA2 gene is located at exon 6 and is predicted to inflict donor loss (SpliceAI delta score: 0.84), resulting in alternative splicing and disrupted protein product. The variant has been reported in 4 unrelated individuals with breast/ovarian/urothelial cancer (PMID: 19267246, 35464868, 31263571). Patient RNA analysis and mini gene assay showed abnormal splicing that led to nonsense-mediated decay (PMID: 19267246). The variant is absent in the general population database (gnomAD). Therefore, the c.516G>A (p.Lys172=) variant of BRCA2 has been classified as likely pathogenic.

This study involves interpretation of variants in research participants for the purpose of population health screening. Participant phenotype was not available at the time of variant classification. Additional details can be found in publication PMID: 35346344, PMCID: PMC8962531

Clinical Genetics Laboratory, Skane University Hospital Lund
Classification: Likely pathogenic. Last evaluated: 2022-05-27. Review status: criteria provided, single submitter. Criteria: ACMG Guidelines, 2015. Collection method: clinical testing. Allele origin: germline. Affected: yes. Not counted in ClinVar's aggregate classification.

NM_000059.4(BRCA2):c.516G>A (p.Lys172=)

Gene: BRCA2 (BRCA2 DNA repair associated; plus strand). Cytogenetic location: 13q13.1.
Variant type: single nucleotide variant.
Coding change: c.516G>A on transcript NM_000059.4 (MANE Select); coding-DNA position 516, G replaced by A.
Protein change: p.Lys172=; no amino-acid change (lysine 172 retained).
Molecular consequence: synonymous variant.
Genome position (GRCh38, 1-based): chr13:32,326,282, G>A. VCF-style: chr13-32326282-G-A. GRCh37 (hg19) VCF-style: chr13-32900419-G-A.
Other names: K172K; NP_000050.3:p.Lys172=; NM_000059.4(BRCA2):c.516G>A; p.Lys172=.
Identifiers: ClinVar variation 51795 (VCV000051795.47), dbSNP rs80359790, ClinGen allele CA021531.